The following is an entry in ClinVar:

ClinVar aggregate classification (germline): Conflicting classifications of pathogenicity. Review status: criteria provided, conflicting classifications (1 of 4 stars). 2 submissions from 2 submitters: Uncertain significance (1); Likely benign (1). Last evaluated 2025-12-21.

Allele frequency attached by ClinVar (database versions not stated): gnomAD 0.00004 and 0.00005; gnomAD exomes 0.00004 and 0.00006; ExAC 0.00007; TOPMed 0.00007; ESP Exome Variant Server 0.00015; 1000 Genomes Project 30x 0.00031; 1000 Genomes Project 0.00040.
gnomAD v4.1: 76 of 1,613,230 alleles (0.0047%); highest among the groups gnomAD compares: Middle Eastern, 0.13%; no homozygotes.

Submissions (2):

Labcorp Genetics (formerly Invitae), Labcorp
Classification: Uncertain significance. Last evaluated: 2025-12-21. Review status: criteria provided, single submitter. Criteria: Invitae Variant Classification Sherloc (09022015). Collection method: clinical testing. Allele origin: germline.
Comment: This sequence change replaces arginine, which is basic and polar, with glutamine, which is neutral and polar, at codon 665 of the MICAL1 protein (p.Arg665Gln). This variant is present in population databases (rs150285580, gnomAD 0.01%). This missense change has been observed in individual(s) with clinical features of autosomal dominant lateral temporal epilepsy (PMID: 29394500). This variant is also known as c.1937G>A (p.Arg646Gln). ClinVar contains an entry for this variant (Variation ID: 1417867). An algorithm developed to predict the effect of missense changes on protein structure and function (PolyPhen-2) suggests that this variant is likely to be tolerated. In summary, the available evidence is currently insufficient to determine the role of this variant in disease. Therefore, it has been classified as a Variant of Uncertain Significance.

CeGaT Center for Human Genetics Tuebingen
Classification: Likely benign. Last evaluated: 2022-03-01. Review status: criteria provided, single submitter. Criteria: CeGaT Center For Human Genetics Tuebingen Variant Classification Criteria Version 2. Collection method: clinical testing. Allele origin: germline. Affected: yes. Observed: 1 variant allele.
Comment: MICAL1: BP4

Literature cited by the submitters: PubMed 29394500 (cited by Labcorp Genetics (formerly Invitae), Labcorp).

NM_022765.4(MICAL1):c.1937G>A (p.Arg646Gln)

Gene: MICAL1 (microtubule associated monooxygenase, calponin and LIM domain containing 1; minus strand). Cytogenetic location: 6q21.
Variant type: single nucleotide variant.
Coding change: c.1937G>A on transcript NM_022765.4 (MANE Select); coding-DNA position 1937, G replaced by A.
Protein change: p.Arg646Gln; replaces arginine 646 with glutamine.
Molecular consequence: missense variant.
Genome position (GRCh38, 1-based): chr6:109,447,882, C>T on the plus strand (G>A on the coding strand, the complement: MICAL1 is on the minus strand). VCF-style: chr6-109447882-C-T. GRCh37 (hg19) VCF-style: chr6-109769085-C-T.
Other names: c.1679G>A, p.Arg560Gln (NM_001159291.2); c.1994G>A, p.Arg665Gln (NM_001286613.2); short protein forms R560Q, R646Q, R665Q.
Identifiers: ClinVar variation 1417867 (VCV001417867.29), dbSNP rs150285580, ClinGen allele CA3953165.
Genomic context (GRCh38, chr6:109,447,882, plus strand): 5'-ACCCCCCTGCCCACTCCTCCCTGCTCAGCTCCAGCCCTGCCTAAACTCTCCACCTTGGCC[C>T]GGGATCGCTGCAGGGTCCTCTGAAGTTTACTAAGGAATAATACAGCACTGGAGGTCCCTG-3'
Protein context (NP_073602.3, residues 636-656): SKLQRTLQRS[Arg646Gln]AKENAEDAGG